The following is an entry in ClinVar:

NM_001386298.1(CIC):c.4681G>A (p.Ala1561Thr)

Gene: CIC (capicua transcriptional repressor; plus strand). Cytogenetic location: 19q13.2.
Variant type: single nucleotide variant.
Coding change: c.4681G>A on transcript NM_001386298.1 (MANE Select); coding-DNA position 4681, G replaced by A.
Protein change: p.Ala1561Thr; replaces alanine 1561 with threonine.
Molecular consequence: missense variant.
Genome position (GRCh38, 1-based): chr19:42,290,722, G>A. VCF-style: chr19-42290722-G-A. GRCh37 (hg19) VCF-style: chr19-42794874-G-A.
Other names: c.4681G>A, p.Ala1561Thr (NM_001304815.2, NM_001379480.1, NM_001379482.1 and 1 more transcripts); c.1954G>A, p.Ala652Thr (NM_001379484.1, NM_001379485.1, NM_015125.5); short protein forms A1561T, A652T.
Identifiers: ClinVar variation 3026278 (VCV003026278.22), dbSNP rs770323488, ClinGen allele CA9472145.
Genomic context (GRCh38, chr19:42,290,722, plus strand): 5'-GTGCTGCCCCCAAACAAGGAGGAGCAAGAGGGCGGCGGAGCCAGAGTGCCCTCCGCCCCC[G>A]CCCCATCACTGGCCTATGGGGCCCCAGCAGCTCCCCTGTCCCGTCCTGCCGCCACCATGG-3'
Protein context (NP_001373227.1, residues 1551-1571): GGGARVPSAP[Ala1561Thr]PSLAYGAPAA

ClinVar aggregate classification (germline): Likely benign (1 of 4 stars; one submission).

gnomAD v4.1: 98 of 1,612,364 alleles (0.0061%); highest among the groups gnomAD compares: African/African-American, 0.024%; no homozygotes.

Submission:

CeGaT Center for Human Genetics Tuebingen
Classification: Likely benign. Last evaluated: 2024-01-01. Review status: criteria provided, single submitter. Criteria: CeGaT Center For Human Genetics Tuebingen Variant Classification Criteria Version 2. Collection method: clinical testing. Allele origin: germline. Affected: yes. Observed: 1 variant allele.
Comment: CIC: BP4